The following is an entry in ClinVar:

NM_003611.3(OFD1):c.2188T>A (p.Ser730Thr)

Gene: OFD1 (OFD1 centriole and centriolar satellite protein; plus strand). Cytogenetic location: Xp22.2.
Variant type: single nucleotide variant.
Coding change: c.2188T>A on transcript NM_003611.3 (MANE Select); coding-DNA position 2188, T replaced by A.
Protein change: p.Ser730Thr; replaces serine 730 with threonine.
Molecular consequence: missense variant.
Genome position (GRCh38, 1-based): chrX:13,760,648, T>A. VCF-style: chrX-13760648-T-A. GRCh37 (hg19) VCF-style: chrX-13778767-T-A.
Other names: c.2068T>A, p.Ser690Thr (NM_001330209.2); c.1768T>A, p.Ser590Thr (NM_001330210.2); short protein forms S590T, S690T, S730T.
Identifiers: ClinVar variation 638921 (VCV000638921.12), dbSNP rs780934031, ClinGen allele CA10351945.
Genomic context (GRCh38, chrX:13,760,648, plus strand): 5'-AGGAATGACGTCGTGGAAGCACTGACAGGCAGTGCAGCCTCGAGGCTCCGCGGGGGCACT[T>A]CCTCCAGACGCCTCTCTTCCACACCCCTTCCAAAAGCAAAAAGAAGCCTCGAAAGTGAAA-3'
Protein context (NP_003602.1, residues 720-740): SAASRLRGGT[Ser730Thr]SRRLSSTPLP

ClinVar aggregate classification (germline): Uncertain significance. Review status: criteria provided, multiple submitters, no conflicts (2 of 4 stars). 3 submissions from 3 submitters: Uncertain significance (3). Last evaluated 2025-03-23.

Conditions:
Orofaciodigital syndrome I (OFD1). Also called: Oral-Facial-Digital Syndrome Type I; Papillon-Leage and Psaume Syndrome; OFDS I. Identifiers: Orphanet 2750, MedGen C1510460, MONDO:0010702, OMIM 311200.
Joubert syndrome. Also called: Familial aplasia of the vermis; JOUBERT-BOLTSHAUSER SYNDROME. Identifiers: Orphanet 475, MedGen C5979921, MONDO:0018772.
Primary ciliary dyskinesia. Also called: Ciliary dyskinesia. Identifiers: Orphanet 244, MedGen C0008780, MONDO:0016575, HP:0012265.

Allele frequency attached by ClinVar (database versions not stated): TOPMed below 0.00001; ExAC 0.00001; gnomAD exomes 0.00001 and below 0.00001.
gnomAD v4.1: 1 of 1,210,946 alleles (0.000083%); highest among the groups gnomAD compares: Admixed American, 0.0022%; no homozygotes.

Submissions (3):

Labcorp Genetics (formerly Invitae), Labcorp
Classification: Uncertain significance for Orofaciodigital syndrome I; Joubert syndrome. Last evaluated: 2025-03-23. Review status: criteria provided, single submitter. Criteria: Invitae Variant Classification Sherloc (09022015). Collection method: clinical testing. Allele origin: germline.
Comment: This sequence change replaces serine, which is neutral and polar, with threonine, which is neutral and polar, at codon 730 of the OFD1 protein (p.Ser730Thr). This variant is present in population databases (rs780934031, gnomAD 0.004%). This variant has not been reported in the literature in individuals affected with OFD1-related conditions. ClinVar contains an entry for this variant (Variation ID: 638921). Invitae Evidence Modeling of protein sequence and biophysical properties (such as structural, functional, and spatial information, amino acid conservation, physicochemical variation, residue mobility, and thermodynamic stability) indicates that this missense variant is not expected to disrupt OFD1 protein function with a negative predictive value of 80%. In summary, the available evidence is currently insufficient to determine the role of this variant in disease. Therefore, it has been classified as a Variant of Uncertain Significance.

Blueprint Genetics
Classification: Uncertain significance. Last evaluated: 2021-03-05. Review status: criteria provided, single submitter. Criteria: ACMG Guidelines, 2015. Collection method: clinical testing. Allele origin: germline.

Ambry Genetics
Classification: Uncertain significance for Primary ciliary dyskinesia. Last evaluated: 2016-10-27. Review status: criteria provided, single submitter. Criteria: Ambry Variant Classification Scheme 2023. Collection method: clinical testing. Allele origin: germline.
Comment: The p.S730T variant (also known as c.2188T>A), located in coding exon 16 of the OFD1 gene, results from a T to A substitution at nucleotide position 2188. The serine at codon 730 is replaced by threonine, an amino acid with similar properties. This variant was not reported in population based cohorts in the following databases: Database of Single Nucleotide Polymorphisms (dbSNP), NHLBI Exome Sequencing Project (ESP), and 1000 Genomes Project. In the ESP, this variant was not observed in 6501 samples with coverage at this position. This amino acid position is not well conserved in available vertebrate species. In addition, this alteration is predicted to be tolerated by in silico analysis. Since supporting evidence is limited at this time, the clinical significance of this alteration remains unclear.